The following is an entry in ClinVar:

NM_002524.5(NRAS):c.356A>G (p.Asp119Gly)

Gene: NRAS (NRAS proto-oncogene, GTPase; minus strand). Cytogenetic location: 1p13.2.
Variant type: single nucleotide variant.
Coding change: c.356A>G on transcript NM_002524.5 (MANE Select); coding-DNA position 356, A replaced by G.
Protein change: p.Asp119Gly; replaces aspartic acid 119 with glycine.
Molecular consequence: missense variant.
Genome position (GRCh38, 1-based): chr1:114,709,663, T>C on the plus strand (A>G on the coding strand, the complement: NRAS is on the minus strand). VCF-style: chr1-114709663-T-C. GRCh37 (hg19) VCF-style: chr1-115252284-T-C.
Other names: short protein forms D119G.
Identifiers: ClinVar variation 2913123 (VCV002913123.4), dbSNP rs754428086, ClinGen allele CA29042356.

ClinVar aggregate classification (germline): Uncertain significance. Review status: criteria provided, multiple submitters, no conflicts (2 of 4 stars). 2 submissions from 2 submitters: Uncertain significance (2). Last evaluated 2025-01-09.

Conditions:
RASopathy. Also called: Noonan spectrum disorder; rasopathies. Identifiers: Orphanet 536391, MedGen C5555857, MONDO:0021060.

Allele frequency attached by ClinVar (database versions not stated): gnomAD exomes below 0.00001; TOPMed below 0.00001; gnomAD 0.00001.
gnomAD v4.1: 7 of 1,613,356 alleles (0.00043%); highest among the groups gnomAD compares: African/African-American, 0.0027%; no homozygotes.

Submissions (2):

GeneDx
Classification: Uncertain significance. Last evaluated: 2025-01-09. Review status: criteria provided, single submitter. Criteria: GeneDx Variant Classification Process June 2021. Collection method: clinical testing. Allele origin: germline. Affected: yes.
Comment: Missense variants in this gene are a common cause of disease and they are underrepresented in the general population; In silico analysis supports that this missense variant has a deleterious effect on protein structure/function; Has not been previously published in a patiennt as pathogenic or benign to our knowledge; This variant is associated with the following publications: (PMID: 38797553)

Labcorp Genetics (formerly Invitae), Labcorp
Classification: Uncertain significance for RASopathy. Last evaluated: 2023-09-19. Review status: criteria provided, single submitter. Criteria: Invitae Variant Classification Sherloc (09022015). Collection method: clinical testing. Allele origin: germline.
Comment: This sequence change replaces aspartic acid, which is acidic and polar, with glycine, which is neutral and non-polar, at codon 119 of the NRAS protein (p.Asp119Gly). The frequency data for this variant in the population databases is considered unreliable, as metrics indicate poor data quality at this position in the gnomAD database. In summary, the available evidence is currently insufficient to determine the role of this variant in disease. Therefore, it has been classified as a Variant of Uncertain Significance. Advanced modeling of protein sequence and biophysical properties (such as structural, functional, and spatial information, amino acid conservation, physicochemical variation, residue mobility, and thermodynamic stability) performed at Invitae indicates that this missense variant is expected to disrupt NRAS protein function. This variant has not been reported in the literature in individuals affected with NRAS-related conditions.